The following is an entry in ClinVar:

NM_001036.6(RYR3):c.8956G>A (p.Val2986Ile)

Gene: RYR3 (ryanodine receptor 3; plus strand). Cytogenetic location: 15q14.
Variant type: single nucleotide variant.
Coding change: c.8956G>A on transcript NM_001036.6 (MANE Select); coding-DNA position 8956, G replaced by A.
Protein change: p.Val2986Ile; replaces valine 2986 with isoleucine.
Molecular consequence: missense variant.
Genome position (GRCh38, 1-based): chr15:33,772,059, G>A. VCF-style: chr15-33772059-G-A. GRCh37 (hg19) VCF-style: chr15-34064260-G-A.
Other names: c.8956G>A, p.Val2986Ile (NM_001243996.4); c.8956G>A (NM_001036.3); short protein forms V2986I.
Identifiers: ClinVar variation 531158 (VCV000531158.15), dbSNP rs189282419, ClinGen allele CA7460373.
Genomic context (GRCh38, chr15:33,772,059, plus strand): 5'-AAGACTTCAGAAAACCTGAAACTTGGGAAGTTCACCCATTCCCGAACGCAGATTAAAGGC[G>A]TTTCTCAGAATATTAACTACACTACAGTGGCTCTGCTCCCCATCCTGACGTCCATCTTTG-3'
Protein context (NP_001027.3, residues 2976-2996): FTHSRTQIKG[Val2986Ile]SQNINYTTVA

ClinVar aggregate classification (germline): Conflicting classifications of pathogenicity. Review status: criteria provided, conflicting classifications (1 of 4 stars). 3 submissions from 3 submitters: Uncertain significance (1); Likely benign (1). 1 of the submissions does not count toward it. Last evaluated 2025-08-12.

Conditions:
Epileptic encephalopathy. Identifiers: MedGen C0543888, HP:0200134.
RYR3-related disorder. Also called: RYR3-related condition.

Allele frequency attached by ClinVar (database versions not stated): ExAC 0.00042; 1000 Genomes Project 0.00280; 1000 Genomes Project 30x 0.00265; gnomAD 0.00160 and 0.00175; TOPMed 0.00174; ESP Exome Variant Server 0.00091.
gnomAD v4.1: 532 of 1,613,686 alleles (0.033%); highest among the groups gnomAD compares: African/African-American, 0.59%; 1 homozygote.

Submissions (3):

Ambry Genetics
Classification: Uncertain significance. Last evaluated: 2025-08-12. Review status: criteria provided, single submitter. Criteria: Ambry Variant Classification Scheme 2023. Collection method: clinical testing. Allele origin: germline.

Labcorp Genetics (formerly Invitae), Labcorp
Classification: Likely benign for Epileptic encephalopathy. Last evaluated: 2025-06-02. Review status: criteria provided, single submitter. Criteria: Invitae Variant Classification Sherloc (09022015). Collection method: clinical testing. Allele origin: germline.

PreventionGenetics, part of Exact Sciences
Classification: Likely benign for RYR3-related condition. Last evaluated: 2022-02-18. Review status: no assertion criteria provided. Collection method: clinical testing. Allele origin: germline. Not counted in ClinVar's aggregate classification.
Comment: This variant is classified as likely benign based on ACMG/AMP sequence variant interpretation guidelines (Richards et al. 2015 PMID: 25741868, with internal and published modifications).